The following is an entry in ClinVar:

NM_006949.4(STXBP2):c.859_883del (p.Leu287fs)

Gene: STXBP2 (syntaxin binding protein 2; plus strand). Cytogenetic location: 19p13.2.
Variant type: Deletion.
Coding change: c.859_883del on transcript NM_006949.4 (MANE Select); coding-DNA positions 859 to 883, 25 bases deleted (TTGTGGGTGGAGCTTCGCCACATGC).
Protein change: p.Leu287fs; shifts the reading frame from leucine 287.
Molecular consequence: frameshift variant. On other transcripts: non-coding transcript variant (1).
Genome position (GRCh38, 1-based): chr19:7,642,493-7,642,517, TTGTGGGTGGAGCTTCGCCACATGC deleted; deleting any 25 consecutive bases within chr19:7,642,492-7,642,517 gives the same sequence; the c. name uses the placement nearest the transcript's 3' end. VCF-style (leftmost placement, unchanged base first): chr19-7642491-ACTTGTGGGTGGAGCTTCGCCACATG-A. GRCh37 (hg19) VCF-style: chr19-7707377-ACTTGTGGGTGGAGCTTCGCCACATG-A.
Other names: c.850_874del, p.Leu284fs (NM_001127396.3); c.892_916del, p.Leu298fs (NM_001272034.2); c.763_787del25, p.Leu255Ilefs (NM_001414484.1); short protein forms L287fs, L284fs, L298fs.
Identifiers: ClinVar variation 2120770 (VCV002120770.4), dbSNP rs759657187, ClinGen allele CA9143824.

ClinVar aggregate classification (germline): Pathogenic (1 of 4 stars; one submission).

Conditions:
Familial hemophagocytic lymphohistiocytosis 5. Also called: STXBP2-Related Familial Hemophagocytic Lymphohistiocytosis (STXBP2-fHLH). Identifiers: Orphanet 540, MedGen C2751293, MONDO:0013135, OMIM 613101.

Submission:

Labcorp Genetics (formerly Invitae), Labcorp
Classification: Pathogenic for Familial hemophagocytic lymphohistiocytosis 5. Last evaluated: 2022-04-01. Review status: criteria provided, single submitter. Criteria: Invitae Variant Classification Sherloc (09022015). Collection method: clinical testing. Allele origin: germline.
Comment: This sequence change creates a premature translational stop signal (p.Leu287Ilefs*13) in the STXBP2 gene. It is expected to result in an absent or disrupted protein product. Loss-of-function variants in STXBP2 are known to be pathogenic (PMID: 19804848, 22451424). This variant is present in population databases (rs759657187, gnomAD 0.004%). This variant has not been reported in the literature in individuals affected with STXBP2-related conditions. For these reasons, this variant has been classified as Pathogenic.

Literature cited by the submitters: PubMed 19804848; PubMed 22451424.